The following is an entry in ClinVar:

ClinVar aggregate classification (germline): Uncertain significance (1 of 4 stars; one submission).

Conditions:
Hyper-IgM syndrome type 5 (HIGM5). Also called: Hyper-IgM Immunodeficiency Syndrome, Type 5. Identifiers: Orphanet 101092, MedGen C1720958, MONDO:0011971, OMIM 608106.

Submission:

Labcorp Genetics (formerly Invitae), Labcorp
Classification: Uncertain significance for Hyper-IgM syndrome type 5. Last evaluated: 2024-10-07. Review status: criteria provided, single submitter. Criteria: Invitae Variant Classification Sherloc (09022015). Collection method: clinical testing. Allele origin: germline.
Comment: This variant, c.178_182delinsCAGGAGGA, is a complex sequence change that results in the deletion of 2 and insertion of 3 amino acid(s) in the UNG protein (p.Thr60_Pro61delinsGlnGluGlu). This variant is not present in population databases (gnomAD no frequency). This variant has not been reported in the literature in individuals affected with UNG-related conditions. Experimental studies and prediction algorithms are not available or were not evaluated, and the functional significance of this variant is currently unknown. In summary, the available evidence is currently insufficient to determine the role of this variant in disease. Therefore, it has been classified as a Variant of Uncertain Significance.

NM_080911.3(UNG):c.178_182delinsCAGGAGGA (p.Thr60_Pro61delinsGlnGluGlu)

Gene: UNG (uracil DNA glycosylase; plus strand). Cytogenetic location: 12q24.11.
Variant type: Indel.
Coding change: c.178_182delinsCAGGAGGA on transcript NM_080911.3 (MANE Select); coding-DNA positions 178 to 182, ACGCC replaced by CAGGAGGA.
Protein change: p.Thr60_Pro61delinsGlnGluGlu.
Molecular consequence: inframe indel.
Genome position (GRCh38, 1-based): chr12:109,098,477-109,098,481, ACGCC replaced by CAGGAGGA. VCF-style: chr12-109098477-ACGCC-CAGGAGGA. GRCh37 (hg19) VCF-style: chr12-109536282-ACGCC-CAGGAGGA.
Other names: c.151_155delinsCAGGAGGA, p.Thr51_Pro52delinsGlnGluGlu (NM_003362.4).
Identifiers: ClinVar variation 851461 (VCV000851461.5), dbSNP rs2042150747, ClinGen allele CA916080511.